The following is an entry in ClinVar:

ClinVar aggregate classification (germline): Uncertain significance (1 of 4 stars; one submission).

Conditions:
Ataxia-telangiectasia syndrome (AT). Also called: LOUIS-BAR SYNDROME; Cerebello-oculocutaneous telangiectasia; Immunodeficiency with ataxia telangiectasia; Ataxia telangiectasia (A-T); Ataxia-telangiectasia, complementation group D; AT, COMPLEMENTATION GROUP C. Identifiers: Orphanet 100, MedGen C0004135, MONDO:0008840, OMIM 208900.

Submission:

Labcorp Genetics (formerly Invitae), Labcorp
Classification: Uncertain significance for Ataxia-telangiectasia syndrome. Last evaluated: 2023-11-24. Review status: criteria provided, single submitter. Criteria: Invitae Variant Classification Sherloc (09022015). Collection method: clinical testing. Allele origin: germline.
Comment: This sequence change falls in intron 54 of the ATM gene. It does not directly change the encoded amino acid sequence of the ATM protein. It affects a nucleotide within the consensus splice site. This variant is not present in population databases (gnomAD no frequency). This variant has not been reported in the literature in individuals affected with ATM-related conditions. Variants that disrupt the consensus splice site are a relatively common cause of aberrant splicing (PMID: 17576681, 9536098). Algorithms developed to predict the effect of sequence changes on RNA splicing suggest that this variant may disrupt the consensus splice site. In summary, the available evidence is currently insufficient to determine the role of this variant in disease. Therefore, it has been classified as a Variant of Uncertain Significance.

Literature cited by the submitters: PubMed 17576681; PubMed 9536098.

NM_000051.4(ATM):c.8010+3A>T

Genes: ATM (ATM serine/threonine kinase; plus strand), C11orf65 (chromosome 11 open reading frame 65; minus strand). Cytogenetic location: 11q22.3.
Variant type: single nucleotide variant.
Coding change: c.8010+3A>T on transcript NM_000051.4 (MANE Select); 3 bases into the intron after coding-DNA position 8010, A replaced by T.
Molecular consequence: intron variant.
Genome position (GRCh38, 1-based): chr11:108,333,971, A>T. VCF-style: chr11-108333971-A-T. GRCh37 (hg19) VCF-style: chr11-108204698-A-T.
Other names: c.8010+3A>T (NM_001351834.2); c.641-24900T>A (NM_001330368.2); c.*38+1249T>A (NM_001351110.2).
Identifiers: ClinVar variation 2698201 (VCV002698201.3), dbSNP rs2547316012, ClinGen allele CA2697558879.